The following is an entry in ClinVar:

NM_145045.5(ODAD3):c.44C>T (p.Pro15Leu)

Gene: ODAD3 (outer dynein arm docking complex subunit 3; minus strand). Cytogenetic location: 19p13.2.
Variant type: single nucleotide variant.
Coding change: c.44C>T on transcript NM_145045.5 (MANE Select); coding-DNA position 44, C replaced by T.
Protein change: p.Pro15Leu; replaces proline 15 with leucine.
Molecular consequence: missense variant. On other transcripts: intron variant (1).
Genome position (GRCh38, 1-based): chr19:11,434,973, G>A on the plus strand (C>T on the coding strand, the complement: ODAD3 is on the minus strand). VCF-style: chr19-11434973-G-A. GRCh37 (hg19) VCF-style: chr19-11545794-G-A.
Other names: c.44C>T, p.Pro15Leu (NM_001302454.2); c.82+717C>T (NM_001302453.1); short protein forms P15L.
Identifiers: ClinVar variation 4774206 (VCV004774206.1).

ClinVar aggregate classification (germline): Uncertain significance (1 of 4 stars; one submission).

Conditions:
Primary ciliary dyskinesia 30. Also called: CILIARY DYSKINESIA, PRIMARY, 30, WITH OR WITHOUT SITUS INVERSUS. Identifiers: Orphanet 244, MedGen C4015016, MONDO:0014465, OMIM 616037.

gnomAD v4.1: 1 of 1,613,532 alleles (0.000062%); highest among the groups gnomAD compares: East Asian, 0.0022%; no homozygotes.

Submission:

Labcorp Genetics (formerly Invitae), Labcorp
Classification: Uncertain significance for Primary ciliary dyskinesia 30. Last evaluated: 2025-02-18. Review status: criteria provided, single submitter. Criteria: Invitae Variant Classification Sherloc (09022015). Collection method: clinical testing. Allele origin: germline.
Comment: This sequence change replaces proline, which is neutral and non-polar, with leucine, which is neutral and non-polar, at codon 15 of the CCDC151 protein (p.Pro15Leu). This variant is not present in population databases (gnomAD no frequency). This variant has not been reported in the literature in individuals affected with CCDC151-related conditions. An algorithm developed to predict the effect of missense changes on protein structure and function (PolyPhen-2) suggests that this variant is likely to be disruptive. In summary, the available evidence is currently insufficient to determine the role of this variant in disease. Therefore, it has been classified as a Variant of Uncertain Significance.